The following is an entry in ClinVar:

NM_003038.5(SLC1A4):c.415A>G (p.Ile139Val)

Gene: SLC1A4 (solute carrier family 1 member 4; plus strand). Cytogenetic location: 2p14.
Variant type: single nucleotide variant.
Coding change: c.415A>G on transcript NM_003038.5 (MANE Select); coding-DNA position 415, A replaced by G.
Protein change: p.Ile139Val; replaces isoleucine 139 with valine.
Molecular consequence: missense variant. On other transcripts: intron variant (3).
Genome position (GRCh38, 1-based): chr2:64,990,058, A>G. VCF-style: chr2-64990058-A-G. GRCh37 (hg19) VCF-style: chr2-65217192-A-G.
Other names: c.-134+1438A>G (NM_001348406.2, NM_001193493.2); c.-134+1504A>G (NM_001348407.2); c.415A>G (NM_003038.4); short protein forms I139V.
Identifiers: ClinVar variation 1955978 (VCV001955978.4), dbSNP rs957960618, ClinGen allele CA49585071.

ClinVar aggregate classification (germline): Uncertain significance. Review status: criteria provided, multiple submitters, no conflicts (2 of 4 stars). 2 submissions from 2 submitters: Uncertain significance (2). Last evaluated 2025-03-07.

Conditions:
Inborn genetic diseases. Identifiers: MedGen C0950123, MeSH D030342.

Allele frequency attached by ClinVar (database versions not stated): TOPMed below 0.00001; gnomAD exomes 0.00002.

Submissions (2):

Labcorp Genetics (formerly Invitae), Labcorp
Classification: Uncertain significance. Last evaluated: 2025-03-07. Review status: criteria provided, single submitter. Criteria: Invitae Variant Classification Sherloc (09022015). Collection method: clinical testing. Allele origin: germline.
Comment: This sequence change replaces isoleucine, which is neutral and non-polar, with valine, which is neutral and non-polar, at codon 139 of the SLC1A4 protein (p.Ile139Val). The frequency data for this variant in the population databases is considered unreliable, as metrics indicate poor data quality at this position in the gnomAD database. This variant has not been reported in the literature in individuals affected with SLC1A4-related conditions. ClinVar contains an entry for this variant (Variation ID: 1955978). Invitae Evidence Modeling of protein sequence and biophysical properties (such as structural, functional, and spatial information, amino acid conservation, physicochemical variation, residue mobility, and thermodynamic stability) indicates that this missense variant is not expected to disrupt SLC1A4 protein function with a negative predictive value of 80%. In summary, the available evidence is currently insufficient to determine the role of this variant in disease. Therefore, it has been classified as a Variant of Uncertain Significance.

Ambry Genetics
Classification: Uncertain significance for Inborn genetic diseases. Last evaluated: 2023-10-20. Review status: criteria provided, single submitter. Criteria: Ambry Variant Classification Scheme 2023. Collection method: clinical testing. Allele origin: germline.